The following is an entry in ClinVar:

NM_004260.4(RECQL4):c.227G>T (p.Arg76Leu)

Gene: RECQL4 (RecQ like helicase 4; minus strand). Cytogenetic location: 8q24.3.
Variant type: single nucleotide variant.
Coding change: c.227G>T on transcript NM_004260.4 (MANE Select); coding-DNA position 227, G replaced by T.
Protein change: p.Arg76Leu; replaces arginine 76 with leucine.
Molecular consequence: missense variant. On other transcripts: 5 prime UTR variant (17), non-coding transcript variant (3).
Genome position (GRCh38, 1-based): chr8:144,517,177, C>A on the plus strand (G>T on the coding strand, the complement: RECQL4 is on the minus strand). VCF-style: chr8-144517177-C-A. GRCh37 (hg19) VCF-style: chr8-145742561-C-A.
Other names: c.227G>T, p.Arg76Leu (NM_001413017.1, NM_001413018.1, NM_001413019.1 and 5 more transcripts); c.-494G>T (NM_001413021.1); c.-845G>T (NM_001413022.1, NM_001413023.1, NM_001413037.1 and 3 more transcripts); c.-742G>T (NM_001413024.1, NM_001413035.1); c.98G>T, p.Arg33Leu (NM_001413025.1); c.-907G>T (NM_001413027.1, NM_001413030.1, NM_001413031.1 and 1 more transcripts); c.-570G>T (NM_001413028.1); c.-804G>T (NM_001413032.1); and 2 more; short protein forms R33L, R76L.
Identifiers: ClinVar variation 4825875 (VCV004825875.1).
Genomic context (GRCh38, chr8:144,517,177, plus strand): 5'-CGCCCTGGCGTAGACTGTGGACTCTTGGTCGCAGCCCGATTCAGATGGGGCCCCCAGCAG[C>A]GGGGCTCTGGCGCCTGCAGGAGACAACAGGGGCACAGGCCAGAAAAGGCTGTTGTGGCGG-3'
Protein context (NP_004251.4, residues 66-86): PAAAEEAPEP[Arg76Leu]CWGPHLNRAA

ClinVar aggregate classification (germline): Uncertain significance (1 of 4 stars; one submission).

Conditions:
Inborn genetic diseases. Identifiers: MedGen C0950123, MeSH D030342.

Submission:

Ambry Genetics
Classification: Uncertain significance for Inborn genetic diseases. Last evaluated: 2026-03-11. Review status: criteria provided, single submitter. Criteria: Ambry Variant Classification Scheme 2023. Collection method: clinical testing. Allele origin: germline.
Comment: The p.R76L variant (also known as c.227G>T), located in coding exon 4 of the RECQL4 gene, results from a G to T substitution at nucleotide position 227. The arginine at codon 76 is replaced by leucine, an amino acid with dissimilar properties. This amino acid position is conserved. In addition, this alteration is predicted to be tolerated by in silico analysis. Based on the available evidence, the clinical significance of this variant remains unclear.